The following is an entry in ClinVar:

ClinVar aggregate classification (germline): Conflicting classifications of pathogenicity. Review status: criteria provided, conflicting classifications (1 of 4 stars). 3 submissions from 3 submitters: Uncertain significance (2); Likely benign (1). Last evaluated 2025-09-04.

Conditions:
X-linked myopathy with postural muscle atrophy. Also called: FHL1-Related Emery-Dreifuss Muscular Dystrophy, X-Linked. Identifiers: Orphanet 178461, MedGen C2678055, MONDO:0010401, OMIM 300696.

Allele frequency attached by ClinVar (database versions not stated): gnomAD exomes 0.00003 and 0.00007; ExAC 0.00010; gnomAD 0.00022 and 0.00023; TOPMed 0.00024; ESP Exome Variant Server 0.00037.
gnomAD v4.1: 54 of 1,208,993 alleles (0.0045%); highest among the groups gnomAD compares: African/African-American, 0.067%; no homozygotes.

Submissions (3):

Women's Health and Genetics/Laboratory Corporation of America, LabCorp
Classification: Uncertain significance. Last evaluated: 2025-09-04. Review status: criteria provided, single submitter. Criteria: LabCorp Variant Classification Summary - May 2015. Collection method: clinical testing. Allele origin: germline.
Comment: Variant summary: FHL1 c.760C>T (p.Arg254Cys) results in a non-conservative amino acid change in the encoded protein sequence. Algorithms developed to predict the effect of missense changes on protein structure and function are either unavailable or do not agree on the potential impact of this missense change. The variant allele was found at a frequency of 6.6e-05 in 180955 control chromosomes. This frequency is not significantly higher than estimated for disease-causing variants in FHL1, allowing no conclusion about variant significance. To our knowledge, no occurrence of c.760C>T in individuals affected with FHL1-related conditions and no experimental evidence demonstrating its impact on protein function have been reported. ClinVar contains an entry for this variant (Variation ID: 290191). Based on the evidence outlined above, the variant was classified as uncertain significance.

Labcorp Genetics (formerly Invitae), Labcorp
Classification: Likely benign for X-linked myopathy with postural muscle atrophy. Last evaluated: 2018-12-18. Review status: criteria provided, single submitter. Criteria: Invitae Variant Classification Sherloc (09022015). Collection method: clinical testing. Allele origin: germline.

Eurofins Ntd Llc (ga)
Classification: Uncertain significance. Last evaluated: 2018-06-01. Review status: criteria provided, single submitter. Criteria: EGL ClinVar v180209 classification definitions. Collection method: clinical testing. Allele origin: germline. Observed: 2 variant alleles, 2 heterozygotes.

NM_001159702.3(FHL1):c.760C>T (p.Arg254Cys)

Gene: FHL1 (four and a half LIM domains 1; plus strand). Cytogenetic location: Xq26.3.
Variant type: single nucleotide variant.
Coding change: c.760C>T on transcript NM_001159702.3 (MANE Plus Clinical); coding-DNA position 760, C replaced by T.
Protein change: p.Arg254Cys; replaces arginine 254 with cysteine.
Molecular consequence: missense variant. On other transcripts: intron variant (11).
Genome position (GRCh38, 1-based): chrX:136,209,314, C>T. VCF-style: chrX-136209314-C-T. GRCh37 (hg19) VCF-style: chrX-135291473-C-T.
Other names: c.760C>T, p.Arg254Cys (NM_001369326.1, NM_001369327.2, NM_001369328.1); c.689-557C>T (NM_001449.5, NM_001369329.1, NM_001369330.1 and 4 more transcripts); c.502-557C>T (NM_001159703.2); c.776-557C>T (NM_001159701.2); c.737-557C>T (NM_001159699.2); c.550-557C>T (NM_001330659.2); short protein forms R254C.
Identifiers: ClinVar variation 290191 (VCV000290191.15), dbSNP rs367592190, ClinGen allele CA10525074.